The following is an entry in ClinVar:

NM_012243.3(SLC35A3):c.205del (p.Ala68_Leu69insTer)

Gene: SLC35A3 (solute carrier family 35 member A3; plus strand). Cytogenetic location: 1p21.2.
Variant type: Deletion.
Coding change: c.205del on transcript NM_012243.3 (MANE Select); coding-DNA position 205, one base deleted (C; older notation c.205delC).
Protein change: p.Ala68_Leu69insTer.
Molecular consequence: nonsense.
Genome position (GRCh38, 1-based): chr1:99,999,278, C deleted. VCF-style (leftmost placement, unchanged base first): chr1-99999277-AC-A. GRCh37 (hg19) VCF-style: chr1-100464833-AC-A.
Other names: c.205del, p.Ala68_Leu69insTer (NM_001271684.2); c.331del, p.Ala110_Leu111insTer (NM_001271685.2).
Identifiers: ClinVar variation 2767724 (VCV002767724.3), dbSNP rs2524430122, ClinGen allele CA2697552557.
Genomic context (GRCh38, chr1:99,999,277, plus strand): 5'-TTCAGAGTTACTTAATTACTGATTTTTCTCATATTATTTTCTAGAATGTAGTCTAAGAGC[AC>A]TGAATCGAGTACTACATGATGAAATTCTTAATAAACCTATGGAAACACTTAAACTTGCTA-3'

ClinVar aggregate classification (germline): Pathogenic (1 of 4 stars; one submission).

Conditions:
Autism spectrum disorder - epilepsy - arthrogryposis syndrome (AMRS). Identifiers: Orphanet 370943, MedGen C3809910, MONDO:0014248, OMIM 615553.

Submission:

Labcorp Genetics (formerly Invitae), Labcorp
Classification: Pathogenic for Autism spectrum disorder - epilepsy - arthrogryposis syndrome. Last evaluated: 2023-10-12. Review status: criteria provided, single submitter. Criteria: Invitae Variant Classification Sherloc (09022015). Collection method: clinical testing. Allele origin: germline.
Comment: This sequence change creates a premature translational stop signal (p.Leu69*) in the SLC35A3 gene. It is expected to result in an absent or disrupted protein product. Loss-of-function variants in SLC35A3 are known to be pathogenic (PMID: 24031089, 28328131). This variant is not present in population databases (gnomAD no frequency). This variant has not been reported in the literature in individuals affected with SLC35A3-related conditions. For these reasons, this variant has been classified as Pathogenic.

Literature cited by the submitters: PubMed 24031089; PubMed 28328131.